The following is an entry in ClinVar:

NM_001166108.2(PALLD):c.2807A>C (p.Asp936Ala)

Genes: CBR4 (carbonyl reductase 4; minus strand), PALLD (palladin, cytoskeletal associated protein; plus strand). Cytogenetic location: 4q32.3.
Variant type: single nucleotide variant.
Coding change: c.2807A>C on transcript NM_001166108.2 (MANE Select); coding-DNA position 2807, A replaced by C.
Protein change: p.Asp936Ala; replaces aspartic acid 936 with alanine.
Molecular consequence: missense variant.
Genome position (GRCh38, 1-based): chr4:168,915,984, A>C. VCF-style: chr4-168915984-A-C. GRCh37 (hg19) VCF-style: chr4-169837135-A-C.
Other names: c.1610A>C, p.Asp537Ala (NM_001166109.2); c.1295A>C, p.Asp432Ala (NM_001166110.2); c.635A>C, p.Asp212Ala (NM_001367567.1, NM_001367569.1); c.686A>C, p.Asp229Ala (NM_001367568.1, NM_001367570.1); c.2756A>C, p.Asp919Ala (NM_016081.4); short protein forms D229A, D537A, D212A, D936A, D919A, D432A.
Identifiers: ClinVar variation 1795607 (VCV001795607.2), dbSNP rs2534079735, ClinGen allele CA358706849.

ClinVar aggregate classification (germline): Uncertain significance (1 of 4 stars; one submission).

Submission:

Ambry Genetics
Classification: Uncertain significance. Last evaluated: 2021-08-13. Review status: criteria provided, single submitter. Criteria: Ambry Variant Classification Scheme 2023. Collection method: clinical testing. Allele origin: germline.
Comment: The p.D919A variant (also known as c.2756A>C), located in coding exon 15 of the PALLD gene, results from an A to C substitution at nucleotide position 2756. The aspartic acid at codon 919 is replaced by alanine, an amino acid with dissimilar properties. This amino acid position is conserved. In addition, the in silico prediction for this alteration is inconclusive. Since supporting evidence is limited at this time, the clinical significance of this alteration remains unclear.